The following is an entry in ClinVar:

NM_003737.4(DCHS1):c.1103G>A (p.Ser368Asn)

Gene: DCHS1 (dachsous cadherin-related 1; minus strand). Cytogenetic location: 11p15.4.
Variant type: single nucleotide variant.
Coding change: c.1103G>A on transcript NM_003737.4 (MANE Select); coding-DNA position 1103, G replaced by A.
Protein change: p.Ser368Asn; replaces serine 368 with asparagine.
Molecular consequence: missense variant.
Genome position (GRCh38, 1-based): chr11:6,640,511, C>T on the plus strand (G>A on the coding strand, the complement: DCHS1 is on the minus strand). VCF-style: chr11-6640511-C-T. GRCh37 (hg19) VCF-style: chr11-6661742-C-T.
Other names: c.1103G>A (NM_003737.2); short protein forms S368N.
Identifiers: ClinVar variation 376813 (VCV000376813.13), dbSNP rs373185353, ClinGen allele CA5861027.
Genomic context (GRCh38, chr11:6,640,511, plus strand): 5'-ATGCGAGCAACGAGCTGTCCAGGTGGGGCGGCCTCAGACACTTGGGGGGAGCCATCTGCA[C>T]TGAGAAAGATGACAGTCATGGAGGGCTGATTGTCATTGGCATCTCGCACATGCACAGTCA-3'
Protein context (NP_003728.1, residues 358-378): NQPSMTVIFL[Ser368Asn]ADGSPQVSEA

ClinVar aggregate classification (germline): Conflicting classifications of pathogenicity. Review status: criteria provided, conflicting classifications (1 of 4 stars). 4 submissions from 4 submitters: Uncertain significance (3); Likely benign (1). Last evaluated 2026-02-02.

Conditions:
Inborn genetic diseases. Identifiers: MedGen C0950123, MeSH D030342.

Allele frequency attached by ClinVar (database versions not stated): TOPMed 0.00005; ESP Exome Variant Server 0.00008; gnomAD exomes 0.00008 and 0.00010; ExAC 0.00010; gnomAD 0.00013 and 0.00014.
gnomAD v4.1: 133 of 1,612,666 alleles (0.0082%); highest among the groups gnomAD compares: Middle Eastern, 0.016%; no homozygotes.

Submissions (4):

Labcorp Genetics (formerly Invitae), Labcorp
Classification: Likely benign. Last evaluated: 2026-02-02. Review status: criteria provided, single submitter. Criteria: Invitae Variant Classification Sherloc (09022015). Collection method: clinical testing. Allele origin: germline.

Ambry Genetics
Classification: Uncertain significance for Inborn genetic diseases. Last evaluated: 2024-09-25. Review status: criteria provided, single submitter. Criteria: Ambry Variant Classification Scheme 2023. Collection method: clinical testing. Allele origin: germline.

GeneDx
Classification: Uncertain significance. Last evaluated: 2019-12-09. Review status: criteria provided, single submitter. Criteria: GeneDx Variant Classification Process June 2021. Collection method: clinical testing. Allele origin: germline. Affected: yes.
Comment: In silico analysis, which includes protein predictors and evolutionary conservation, supports that this variant does not alter protein structure/function; In silico analysis, which includes splice predictors and evolutionary conservation, suggests this variant may impact gene splicing. In the absence of RNA/functional studies, the actual effect of this sequence change is unknown; Has not been previously published as pathogenic or benign to our knowledge

Center for Pediatric Genomic Medicine, Children's Mercy Hospital and Clinics
Classification: Uncertain significance. Last evaluated: 2016-11-30. Review status: criteria provided, single submitter. Criteria: ACMG Guidelines, 2015. Collection method: clinical testing. Allele origin: germline.
ClinVar note: Converted during submission from Uncertain Significance to Uncertain significance.